The following is an entry in ClinVar:

NM_001098816.3(TENM4):c.1205G>A (p.Gly402Glu)

Gene: TENM4 (teneurin transmembrane protein 4; minus strand). Cytogenetic location: 11q14.1.
Variant type: single nucleotide variant.
Coding change: c.1205G>A on transcript NM_001098816.3 (MANE Select); coding-DNA position 1205, G replaced by A.
Protein change: p.Gly402Glu; replaces glycine 402 with glutamic acid.
Molecular consequence: missense variant.
Genome position (GRCh38, 1-based): chr11:78,863,012, C>T on the plus strand (G>A on the coding strand, the complement: TENM4 is on the minus strand). VCF-style: chr11-78863012-C-T. GRCh37 (hg19) VCF-style: chr11-78574057-C-T.
Other names: short protein forms G402E.
Identifiers: ClinVar variation 2642231 (VCV002642231.24), dbSNP rs371387619, ClinGen allele CA6207577.
Genomic context (GRCh38, chr11:78,863,012, plus strand): 5'-GCAACCCTACCTTCTGTGGTTCCTTTGCCTTTCCTGTCAGGGGTCTCTAAGCCAGTGCCC[C>T]CTGAGGGGTATAGGGAGACGTCGGTTGGCACAGGCCAACTGCTGGCTGTGTCCTCCGTGA-3'
Protein context (NP_001092286.2, residues 392-412): VPTDVSLYPS[Gly402Glu]GTGLETPDRK

ClinVar aggregate classification (germline): Uncertain significance (1 of 4 stars; one submission).

Allele frequency attached by ClinVar (database versions not stated): gnomAD exomes 0.00003; TOPMed 0.00003; ExAC 0.00005; gnomAD 0.00006; ESP Exome Variant Server 0.00022.
gnomAD v4.1: 54 of 1,520,986 alleles (0.0036%); highest among the groups gnomAD compares: Non-Finnish European, 0.0046%; no homozygotes.

Submission:

CeGaT Center for Human Genetics Tuebingen
Classification: Uncertain significance. Last evaluated: 2022-11-01. Review status: criteria provided, single submitter. Criteria: CeGaT Center For Human Genetics Tuebingen Variant Classification Criteria Version 2. Collection method: clinical testing. Allele origin: germline. Affected: yes. Observed: 1 variant allele.
Comment: TENM4: PP3